The following is an entry in ClinVar:

NC_000008.10:g.(?_94767143)_(94828680_?)dup

Gene: TMEM67 (transmembrane protein 67; plus strand). Cytogenetic location: 8q22.1.
Variant type: Duplication.
Identifiers: ClinVar variation 2427442 (VCV002427442.5).

ClinVar aggregate classification (germline): Uncertain significance (1 of 4 stars; one submission).

Conditions:
Joubert syndrome. Also called: CEREBELLOPARENCHYMAL DISORDER IV; JOUBERT-BOLTSHAUSER SYNDROME; Familial aplasia of the vermis. Identifiers: Orphanet 475, MedGen C5979921, MONDO:0018772.
Meckel-Gruber syndrome. Also called: DYSENCEPHALIA SPLANCHNOCYSTICA; GRUBER SYNDROME; Dysencephalia splachnocystica. Identifiers: Orphanet 564, MedGen C0265215, MONDO:0018921.

Submission:

Labcorp Genetics (formerly Invitae), Labcorp
Classification: Uncertain significance for Joubert syndrome; Meckel-Gruber syndrome. Last evaluated: 2022-03-01. Review status: criteria provided, single submitter. Criteria: Invitae Variant Classification Sherloc (09022015). Collection method: clinical testing. Allele origin: germline.
Comment: A copy number gain of the genomic region encompassing the full coding sequence of the TMEM67 gene has been identified. The boundaries of this event are unknown as they extend beyond the assayed region for this gene and therefore may encompass additional genes. As the precise location of this event is unknown, it may be in tandem or it may be located elsewhere in the genome. This variant has not been reported in the literature in individuals affected with TMEM67-related conditions. In summary, the available evidence is currently insufficient to determine the role of this variant in disease. Therefore, it has been classified as a Variant of Uncertain Significance.